The following is an entry in ClinVar:

ClinVar aggregate classification (germline): Benign/Likely benign. Review status: criteria provided, multiple submitters, no conflicts (2 of 4 stars). 3 submissions from 3 submitters: Benign (1); Likely benign (2). Last evaluated 2026-05-05.

Conditions:
Colorectal cancer, hereditary nonpolyposis, type 7. Identifiers: Orphanet 144, MedGen C1858380, MONDO:0013725, OMIM 614385.

Allele frequency attached by ClinVar (database versions not stated): ExAC 0.00002.

Submissions (3):

Myriad Genetics, Inc.
Classification: Benign for Colorectal cancer, hereditary nonpolyposis, type 7. Last evaluated: 2026-05-05. Review status: criteria provided, single submitter. Criteria: Myriad Autosomal Dominant, Autosomal Recessive and X-Linked Classification Criteria (2023). Collection method: clinical testing. Allele origin: unknown.
Comment: This variant is considered benign. This variant is a silent/synonymous amino acid change and it is not expected to impact splicing.

Labcorp Genetics (formerly Invitae), Labcorp
Classification: Likely benign for Colorectal cancer, hereditary nonpolyposis, type 7. Last evaluated: 2023-01-24. Review status: criteria provided, single submitter. Criteria: Invitae Variant Classification Sherloc (09022015). Collection method: clinical testing. Allele origin: germline.

Ambry Genetics
Classification: Likely benign. Last evaluated: 2022-04-03. Review status: criteria provided, single submitter. Criteria: Ambry Variant Classification Scheme 2023. Collection method: clinical testing. Allele origin: germline.

NM_001040108.2(MLH3):c.2673G>T (p.Gly891=)

Gene: MLH3 (mutL homolog 3; minus strand). Cytogenetic location: 14q24.3.
Variant type: single nucleotide variant.
Coding change: c.2673G>T on transcript NM_001040108.2 (MANE Select); coding-DNA position 2673, G replaced by T.
Protein change: p.Gly891=; no amino-acid change (glycine 891 retained).
Molecular consequence: synonymous variant.
Genome position (GRCh38, 1-based): chr14:75,046,983, C>A on the plus strand (G>T on the coding strand, the complement: MLH3 is on the minus strand). VCF-style: chr14-75046983-C-A. GRCh37 (hg19) VCF-style: chr14-75513686-C-A.
Other names: c.2673G>T, p.Gly891= (NM_014381.3).
Identifiers: ClinVar variation 1794581 (VCV001794581.6), dbSNP rs749302533, ClinGen allele CA7275660.